The following is an entry in ClinVar:

NM_005546.4(ITK):c.1792-41T>C

Gene: ITK (IL2 inducible T cell kinase; plus strand). Cytogenetic location: 5q33.3.
Variant type: single nucleotide variant.
Coding change: c.1792-41T>C on transcript NM_005546.4 (MANE Select); 41 bases into the intron before coding-DNA position 1792, T replaced by C.
Molecular consequence: intron variant.
Genome position (GRCh38, 1-based): chr5:157,252,566, T>C. VCF-style: chr5-157252566-T-C. GRCh37 (hg19) VCF-style: chr5-156679576-T-C.
Identifiers: ClinVar variation 1238669 (VCV001238669.5), dbSNP rs27341, ClinGen allele CA3533210.

ClinVar aggregate classification (germline): Benign. Review status: criteria provided, multiple submitters, no conflicts (2 of 4 stars). 2 submissions from 2 submitters: Benign (2). Last evaluated 2023-11-12.

Allele frequency attached by ClinVar (database versions not stated): gnomAD exomes 0.39869 and 0.40876; ExAC 0.41490; 1000 Genomes Project 0.44209; 1000 Genomes Project 30x 0.45300; gnomAD 0.46132 and 0.46998; TOPMed 0.47372; ESP Exome Variant Server 0.47401.
gnomAD v4.1: 600,997 of 1,482,452 alleles (41%); highest among the groups gnomAD compares: African/African-American, 64%; 125,779 homozygotes.

Submissions (2):

Unidad de Genómica Garrahan, Hospital de Pediatría Garrahan
Classification: Benign. Last evaluated: 2023-11-12. Review status: criteria provided, single submitter. Criteria: ACMG Guidelines, 2015. Collection method: clinical testing. Allele origin: germline. Affected: no. Observed: 57 variant alleles.
Comment: This variant is classified as Benign based on local population frequency. This variant was detected in 59% of patients studied by a panel of primary immunodeficiencies. Number of patients: 57. Only high quality variants are reported.

GeneDx
Classification: Benign. Last evaluated: 2021-05-12. Review status: criteria provided, single submitter. Criteria: GeneDx Variant Classification Process June 2021. Collection method: clinical testing. Allele origin: germline. Affected: yes.